The following is an entry in ClinVar:

NM_014806.5(RUSC2):c.1546C>T (p.Arg516Cys)

Gene: RUSC2 (RUN and SH3 domain containing 2; plus strand). Cytogenetic location: 9p13.3.
Variant type: single nucleotide variant.
Coding change: c.1546C>T on transcript NM_014806.5 (MANE Select); coding-DNA position 1546, C replaced by T.
Protein change: p.Arg516Cys; replaces arginine 516 with cysteine.
Molecular consequence: missense variant. On other transcripts: non-coding transcript variant (1), intron variant (1).
Genome position (GRCh38, 1-based): chr9:35,548,067, C>T. VCF-style: chr9-35548067-C-T. GRCh37 (hg19) VCF-style: chr9-35548064-C-T.
Other names: c.1546C>T, p.Arg516Cys (NM_001135999.2); c.-620-6993C>T (NM_001330740.2); short protein forms R516C.
Identifiers: ClinVar variation 1360456 (VCV001360456.7), dbSNP rs769971449, ClinGen allele CA5043669.

ClinVar aggregate classification (germline): Uncertain significance (1 of 4 stars; one submission).

Allele frequency attached by ClinVar (database versions not stated): TOPMed 0.00001; gnomAD 0.00002; gnomAD exomes 0.00002; ExAC 0.00003.
gnomAD v4.1: 29 of 1,613,244 alleles (0.0018%); highest among the groups gnomAD compares: Admixed American, 0.005%; no homozygotes.

Submission:

Labcorp Genetics (formerly Invitae), Labcorp
Classification: Uncertain significance. Last evaluated: 2024-05-15. Review status: criteria provided, single submitter. Criteria: Invitae Variant Classification Sherloc (09022015). Collection method: clinical testing. Allele origin: germline.
Comment: This sequence change replaces arginine, which is basic and polar, with cysteine, which is neutral and slightly polar, at codon 516 of the RUSC2 protein (p.Arg516Cys). This variant is present in population databases (rs769971449, gnomAD 0.009%). This variant has not been reported in the literature in individuals affected with RUSC2-related conditions. ClinVar contains an entry for this variant (Variation ID: 1360456). An algorithm developed to predict the effect of missense changes on protein structure and function (PolyPhen-2) suggests that this variant is likely to be disruptive. In summary, the available evidence is currently insufficient to determine the role of this variant in disease. Therefore, it has been classified as a Variant of Uncertain Significance.